The following is an entry in ClinVar:

ClinVar aggregate classification (germline): Uncertain significance (1 of 4 stars; one submission).

gnomAD v4.1: 1 of 1,609,976 alleles (0.000062%); highest among the groups gnomAD compares: Non-Finnish European, 0.000085%; no homozygotes.

Submission:

Ambry Genetics
Classification: Uncertain significance. Last evaluated: 2026-06-23. Review status: criteria provided, single submitter. Criteria: Ambry Variant Classification Scheme 2023. Collection method: clinical testing. Allele origin: germline.
Comment: The c.383C>T (p.A128V) alteration is located in exon 4 (coding exon 4) of the LILRB3 gene. This alteration results from a C to T substitution at nucleotide position 383, causing the alanine (A) at amino acid position 128 to be replaced by a valine (V). Based on data from gnomAD, the T allele has an overall frequency of 0.005% (12/227768) total alleles studied. The highest observed frequency was 0.011% (11/100450) of European (non-Finnish) alleles. Based on insufficient or conflicting evidence, the clinical significance of this alteration remains unclear.

NM_006864.4(LILRB3):c.383C>T (p.Ala128Val)

Gene: LILRB3 (leukocyte immunoglobulin like receptor B3; minus strand). Cytogenetic location: 19q13.42.
Variant type: single nucleotide variant.
Coding change: c.383C>T on transcript NM_006864.4 (MANE Select); coding-DNA position 383, C replaced by T.
Protein change: p.Ala128Val; replaces alanine 128 with valine.
Molecular consequence: missense variant. On other transcripts: non-coding transcript variant (4).
Genome position (GRCh38, 1-based): chr19:54,222,103, G>A on the plus strand (C>T on the coding strand, the complement: LILRB3 is on the minus strand). VCF-style: chr19-54222103-G-A. GRCh37 (hg19) VCF-style: chr19-54725975-G-A.
Other names: c.383C>T, p.Ala128Val (NM_001081450.3, NM_001320960.2); short protein forms A128V.
Identifiers: ClinVar variation 5023582 (VCV005023582.1).